The following is an entry in ClinVar:

ClinVar aggregate classification (germline): Uncertain significance (1 of 4 stars; one submission).

Allele frequency attached by ClinVar (database versions not stated): TOPMed below 0.00001; gnomAD 0.00001; gnomAD exomes 0.00001.
gnomAD v4.1: 4 of 1,203,618 alleles (0.00033%); highest among the groups gnomAD compares: Non-Finnish European, 0.00045%; no homozygotes.

Submission:

Labcorp Genetics (formerly Invitae), Labcorp
Classification: Uncertain significance. Last evaluated: 2023-09-22. Review status: criteria provided, single submitter. Criteria: Invitae Variant Classification Sherloc (09022015). Collection method: clinical testing. Allele origin: germline.
Comment: In summary, the available evidence is currently insufficient to determine the role of this variant in disease. Therefore, it has been classified as a Variant of Uncertain Significance. An algorithm developed to predict the effect of missense changes on protein structure and function (PolyPhen-2) suggests that this variant is likely to be tolerated. This variant has not been reported in the literature in individuals affected with STAG2-related conditions. This variant is not present in population databases (gnomAD no frequency). This sequence change replaces valine, which is neutral and non-polar, with methionine, which is neutral and non-polar, at codon 1084 of the STAG2 protein (p.Val1084Met).

NM_001042750.2(STAG2):c.3250G>A (p.Val1084Met)

Gene: STAG2 (STAG2 cohesin complex component; plus strand). Cytogenetic location: Xq25.
Variant type: single nucleotide variant.
Coding change: c.3250G>A on transcript NM_001042750.2 (MANE Select); coding-DNA position 3250, G replaced by A.
Protein change: p.Val1084Met; replaces valine 1084 with methionine.
Molecular consequence: missense variant.
Genome position (GRCh38, 1-based): chrX:124,086,743, G>A. VCF-style: chrX-124086743-G-A. GRCh37 (hg19) VCF-style: chrX-123220593-G-A.
Other names: c.3250G>A, p.Val1084Met (NM_001042749.2, NM_001042751.2, NM_001282418.2 and 13 more transcripts); short protein forms V1084M.
Identifiers: ClinVar variation 2762693 (VCV002762693.3), dbSNP rs1179974787, ClinGen allele CA414281144.